The following is an entry in ClinVar:

NM_004415.4(DSP):c.5865T>C (p.Thr1955=)

Gene: DSP (desmoplakin; plus strand). Cytogenetic location: 6p24.3.
Variant type: single nucleotide variant.
Coding change: c.5865T>C on transcript NM_004415.4 (MANE Select); coding-DNA position 5865, T replaced by C.
Protein change: p.Thr1955=; no amino-acid change (threonine 1955 retained).
Molecular consequence: synonymous variant.
Genome position (GRCh38, 1-based): chr6:7,583,127, T>C. VCF-style: chr6-7583127-T-C. GRCh37 (hg19) VCF-style: chr6-7583360-T-C.
Other names: c.4068T>C, p.Thr1356= (NM_001008844.3); c.4536T>C, p.Thr1512= (NM_001319034.2).
Identifiers: ClinVar variation 1086825 (VCV001086825.10), dbSNP rs1306745746, ClinGen allele CA448715671.
Genomic context (GRCh38, chr6:7,583,127, plus strand): 5'-TCAGAGGGAGATTGATAAACTCAGACAGCGCCCATATGGGTCCCATCGAGAGACCCAGAC[T>C]GAGTGTGAGTGGACCGTTGACACCTCCAAGCTGGTGTTTGATGGGCTGAGGAAGAAGGTG-3'
Protein context (NP_004406.2, residues 1945-1965): RPYGSHRETQ[Thr1955=]ECEWTVDTSK

ClinVar aggregate classification (germline): Likely benign. Review status: criteria provided, multiple submitters, no conflicts (2 of 4 stars). 2 submissions from 2 submitters: Likely benign (2). Last evaluated 2025-01-29.

Conditions:
Arrhythmogenic cardiomyopathy with wooly hair and keratoderma. Also called: Carvajal syndrome; Arrhythmogenic cardiomyopathy with woolly hair and keratoderma; Dilated cardiomyopathy with woolly hair and keratoderma; PALMOPLANTAR KERATODERMA WITH LEFT VENTRICULAR CARDIOMYOPATHY AND WOOLLY HAIR. Identifiers: Orphanet 65282, MedGen C1854063, MONDO:0011581, OMIM 605676.
Arrhythmogenic right ventricular dysplasia 8 (ARVD8). Also called: Arrhythmogenic Right Ventricular Dysplasia/Cardiomyopathy 8; ARRHYTHMOGENIC RIGHT VENTRICULAR CARDIOMYOPATHY 8; ARRHYTHMOGENIC RIGHT VENTRICULAR DYSPLASIA, FAMILIAL, 8. Identifiers: MedGen C1843896, MONDO:0011831, OMIM 607450.

Allele frequency attached by ClinVar (database versions not stated): TOPMed 0.00002; gnomAD 0.00003.

Submissions (2):

Labcorp Genetics (formerly Invitae), Labcorp
Classification: Likely benign for Arrhythmogenic cardiomyopathy with wooly hair and keratoderma; Arrhythmogenic right ventricular dysplasia 8. Last evaluated: 2025-01-29. Review status: criteria provided, single submitter. Criteria: Invitae Variant Classification Sherloc (09022015). Collection method: clinical testing. Allele origin: germline.

All of Us Research Program, National Institutes of Health
Classification: Likely benign for Arrhythmogenic cardiomyopathy with wooly hair and keratoderma. Last evaluated: 2023-07-19. Review status: criteria provided, single submitter. Criteria: ACMG Guidelines, 2015. Collection method: clinical testing. Allele origin: germline. Inheritance: Autosomal dominant inheritance. Observed: 1 variant allele, 1 heterozygote.
Comment: This study involves interpretation of variants in research participants for the purpose of population health screening. Participant phenotype was not available at the time of variant classification. Additional details can be found in publication PMID: 35346344, PMCID: PMC8962531